The following is an entry in ClinVar:

NM_004562.3(PRKN):c.*1462C>A

Gene: PRKN (parkin RBR E3 ubiquitin protein ligase; minus strand). Cytogenetic location: 6q26.
Variant type: single nucleotide variant.
Coding change: c.*1462C>A on transcript NM_004562.3 (MANE Select); 1462 bases downstream of the stop codon, C replaced by A.
Molecular consequence: 3 prime UTR variant.
Genome position (GRCh38, 1-based): chr6:161,348,637, G>T on the plus strand (C>A on the coding strand, the complement: PRKN is on the minus strand). VCF-style: chr6-161348637-G-T. GRCh37 (hg19) VCF-style: chr6-161769669-G-T.
Other names: c.*1462C>A (NM_013987.3, NM_013988.3).
Identifiers: ClinVar variation 355996 (VCV000355996.5), dbSNP rs11961229, ClinGen allele CA10623383.

ClinVar aggregate classification (germline): Likely benign (1 of 4 stars; one submission).

Conditions:
Autosomal recessive juvenile Parkinson disease 2. Also called: PARKINSON DISEASE, JUVENILE, AUTOSOMAL RECESSIVE; Parkinson disease autosomal recessive, early onset; Juvenile parkinsonism; Parkinsonism, early onset, with diurnal fluctuation; PRKN-Related Early-Onset Parkinson Disease; Parkinson disease, juvenile, type 2. Identifiers: Orphanet 2828, MedGen C1868675, MONDO:0010820, OMIM 600116.

Allele frequency attached by ClinVar (database versions not stated): gnomAD exomes 0.00138; gnomAD 0.00745 and 0.00787; 1000 Genomes Project 30x 0.00796; 1000 Genomes Project 0.00799; TOPMed 0.00829.
gnomAD v4.1: 1,212 of 209,954 alleles (0.58%); highest among the groups gnomAD compares: African/African-American, 2.6%; 18 homozygotes.

Submission:

Illumina Laboratory Services, Illumina
Classification: Likely benign for Autosomal recessive juvenile Parkinson disease 2. Last evaluated: 2018-01-13. Review status: criteria provided, single submitter. Criteria: ICSL Variant Classification Criteria 13 December 2019. Collection method: clinical testing. Allele origin: germline.
Comment: This variant was observed in the ICSL laboratory as part of a predisposition screen in an ostensibly healthy population. It had not been previously curated by ICSL or reported in the Human Gene Mutation Database (HGMD: prior to June 1st, 2018), and was therefore a candidate for classification through an automated scoring system. Utilizing variant allele frequency, disease prevalence and penetrance estimates, and inheritance mode, an automated score was calculated to assess if this variant is too frequent to cause the disease. Based on the score and internal cut-off values, a variant classified as likely benign is not then subjected to further curation. The score for this variant resulted in a classification of likely benign for this disease.